The following is an entry in ClinVar:

NM_002470.4(MYH3):c.935C>T (p.Pro312Leu)

Gene: MYH3 (myosin heavy chain 3; minus strand). Cytogenetic location: 17p13.1.
Variant type: single nucleotide variant.
Coding change: c.935C>T on transcript NM_002470.4 (MANE Select); coding-DNA position 935, C replaced by T.
Protein change: p.Pro312Leu; replaces proline 312 with leucine.
Molecular consequence: missense variant.
Genome position (GRCh38, 1-based): chr17:10,645,996, G>A on the plus strand (C>T on the coding strand, the complement: MYH3 is on the minus strand). VCF-style: chr17-10645996-G-A. GRCh37 (hg19) VCF-style: chr17-10549313-G-A.
Other names: short protein forms P312L.
Identifiers: ClinVar variation 2006009 (VCV002006009.4), dbSNP rs2142411273, ClinGen allele CA398177327.

ClinVar aggregate classification (germline): Uncertain significance (1 of 4 stars; one submission).

gnomAD v4.1: 6 of 1,613,956 alleles (0.00037%); highest among the groups gnomAD compares: South Asian, 0.0011%; no homozygotes.

Submission:

Labcorp Genetics (formerly Invitae), Labcorp
Classification: Uncertain significance. Last evaluated: 2022-09-02. Review status: criteria provided, single submitter. Criteria: Invitae Variant Classification Sherloc (09022015). Collection method: clinical testing. Allele origin: germline.
Comment: This variant is not present in population databases (gnomAD no frequency). This sequence change replaces proline, which is neutral and non-polar, with leucine, which is neutral and non-polar, at codon 312 of the MYH3 protein (p.Pro312Leu). This variant has not been reported in the literature in individuals affected with MYH3-related conditions. In summary, the available evidence is currently insufficient to determine the role of this variant in disease. Therefore, it has been classified as a Variant of Uncertain Significance. Algorithms developed to predict the effect of missense changes on protein structure and function (SIFT, PolyPhen-2, Align-GVGD) all suggest that this variant is likely to be disruptive.